The following is an entry in ClinVar:

NM_000136.3(FANCC):c.1613T>C (p.Ile538Thr)

Genes: AOPEP (aminopeptidase O (putative); plus strand), FANCC (FA complementation group C; minus strand). Cytogenetic location: 9q22.32.
Variant type: single nucleotide variant.
Coding change: c.1613T>C on transcript NM_000136.3 (MANE Select); coding-DNA position 1613, T replaced by C.
Protein change: p.Ile538Thr; replaces isoleucine 538 with threonine.
Molecular consequence: missense variant.
Genome position (GRCh38, 1-based): chr9:95,101,771, A>G on the plus strand (T>C on the coding strand, the complement: FANCC is on the minus strand). VCF-style: chr9-95101771-A-G. GRCh37 (hg19) VCF-style: chr9-97864053-A-G.
Other names: c.1613T>C, p.Ile538Thr (NM_001243743.2); short protein forms I538T.
Identifiers: ClinVar variation 1776444 (VCV001776444.2), dbSNP rs1254146173, ClinGen allele CA374104466.

ClinVar aggregate classification (germline): Uncertain significance (1 of 4 stars; one submission).

Conditions:
Hereditary cancer-predisposing syndrome. Also called: Neoplastic Syndromes, Hereditary; Tumor predisposition; Hereditary Cancer Syndrome; Hereditary neoplastic syndrome. Identifiers: Orphanet 140162, MedGen C0027672, MeSH D009386, MONDO:0015356.

Allele frequency attached by ClinVar (database versions not stated): TOPMed below 0.00001; gnomAD 0.00001.
gnomAD v4.1: 1 of 1,614,014 alleles (0.000062%); highest among the groups gnomAD compares: Non-Finnish European, 0.000085%; no homozygotes.

Submission:

Ambry Genetics
Classification: Uncertain significance for Hereditary cancer-predisposing syndrome. Last evaluated: 2024-02-09. Review status: criteria provided, single submitter. Criteria: Ambry Variant Classification Scheme 2023. Collection method: clinical testing. Allele origin: germline.
Comment: The p.I538T variant (also known as c.1613T>C), located in coding exon 14 of the FANCC gene, results from a T to C substitution at nucleotide position 1613. The isoleucine at codon 538 is replaced by threonine, an amino acid with similar properties. This amino acid position is poorly conserved in available vertebrate species. In addition, this alteration is predicted to be tolerated by in silico analysis. Since supporting evidence is limited at this time, the clinical significance of this alteration remains unclear.